The following is an entry in ClinVar:

ClinVar aggregate classification (germline): Uncertain significance. Review status: criteria provided, multiple submitters, no conflicts (2 of 4 stars). 2 submissions from 2 submitters: Uncertain significance (2). Last evaluated 2024-08-02.

Conditions:
Primary ciliary dyskinesia. Also called: Ciliary dyskinesia. Identifiers: Orphanet 244, MedGen C0008780, MONDO:0016575, HP:0012265.

Allele frequency attached by ClinVar (database versions not stated): ExAC 0.00002; gnomAD exomes 0.00002 and 0.00006; TOPMed 0.00002; gnomAD 0.00003; ESP Exome Variant Server 0.00008.
gnomAD v4.1: 94 of 1,613,770 alleles (0.0058%); highest among the groups gnomAD compares: Non-Finnish European, 0.0076%; no homozygotes.

Submissions (2):

Blueprint Genetics
Classification: Uncertain significance. Last evaluated: 2024-08-02. Review status: criteria provided, single submitter. Criteria: ACMG Guidelines, 2015. Collection method: clinical testing. Allele origin: germline.

Labcorp Genetics (formerly Invitae), Labcorp
Classification: Uncertain significance for Primary ciliary dyskinesia. Last evaluated: 2019-05-02. Review status: criteria provided, single submitter. Criteria: Invitae Variant Classification Sherloc (09022015). Collection method: clinical testing. Allele origin: germline.
Comment: Algorithms developed to predict the effect of missense changes on protein structure and function do not agree on the potential impact of this missense change (SIFT: "Deleterious"; PolyPhen-2: "Not Available"; Align-GVGD: "Class C0"). In summary, the available evidence is currently insufficient to determine the role of this variant in disease. Therefore, it has been classified as a Variant of Uncertain Significance. This variant has not been reported in the literature in individuals with DNAH8-related disease. This variant is present in population databases (rs149015796, ExAC 0.005%). This sequence change replaces proline with leucine at codon 2601 of the DNAH8 protein (p.Pro2601Leu). The proline residue is highly conserved and there is a moderate physicochemical difference between proline and leucine.

NM_001206927.2(DNAH8):c.7802C>T (p.Pro2601Leu)

Gene: DNAH8 (dynein axonemal heavy chain 8; plus strand). Cytogenetic location: 6p21.2.
Variant type: single nucleotide variant.
Coding change: c.7802C>T on transcript NM_001206927.2 (MANE Select); coding-DNA position 7802, C replaced by T.
Protein change: p.Pro2601Leu; replaces proline 2601 with leucine.
Molecular consequence: missense variant.
Genome position (GRCh38, 1-based): chr6:38,875,772, C>T. VCF-style: chr6-38875772-C-T. GRCh37 (hg19) VCF-style: chr6-38843548-C-T.
Other names: c.7151C>T, p.Pro2384Leu (NM_001371.4); short protein forms P2384L, P2601L.
Identifiers: ClinVar variation 948911 (VCV000948911.10), dbSNP rs149015796, ClinGen allele CA3790018.